The following is an entry in ClinVar:

NM_001040142.2(SCN2A):c.5287T>A (p.Ser1763Thr)

Gene: SCN2A (sodium voltage-gated channel alpha subunit 2; plus strand). Cytogenetic location: 2q24.3.
Variant type: single nucleotide variant.
Coding change: c.5287T>A on transcript NM_001040142.2 (MANE Select); coding-DNA position 5287, T replaced by A.
Protein change: p.Ser1763Thr; replaces serine 1763 with threonine.
Molecular consequence: missense variant.
Genome position (GRCh38, 1-based): chr2:165,389,093, T>A. VCF-style: chr2-165389093-T-A. GRCh37 (hg19) VCF-style: chr2-166245603-T-A.
Other names: c.5287T>A, p.Ser1763Thr (NM_001040143.2, NM_001371246.1, NM_001371247.1 and 1 more transcripts); short protein forms S1763T.
Identifiers: ClinVar variation 1215165 (VCV001215165.6), dbSNP rs2105402930, ClinGen allele CA349038629.

ClinVar aggregate classification (germline): Uncertain significance (1 of 4 stars; one submission).

Submission:

GeneDx
Classification: Uncertain significance. Last evaluated: 2023-07-28. Review status: criteria provided, single submitter. Criteria: GeneDx Variant Classification Process June 2021. Collection method: clinical testing. Allele origin: germline. Affected: yes.
Comment: Missense variants in this gene are often considered pathogenic (HGMD); In silico analysis supports that this missense variant has a deleterious effect on protein structure/function; Has not been previously published as pathogenic or benign to our knowledge; Not observed at significant frequency in large population cohorts (gnomAD); Predicted to be within the transmembrane segment S6 of the fourth homologous domain (The UniProt Consortium, 2019)